The following is an entry in ClinVar:

NM_021913.5(AXL):c.2007A>G (p.Ile669Met)

Gene: AXL (AXL receptor tyrosine kinase; plus strand). Cytogenetic location: 19q13.2.
Variant type: single nucleotide variant.
Coding change: c.2007A>G on transcript NM_021913.5 (MANE Select); coding-DNA position 2007, A replaced by G.
Protein change: p.Ile669Met; replaces isoleucine 669 with methionine.
Molecular consequence: missense variant.
Genome position (GRCh38, 1-based): chr19:41,253,679, A>G. VCF-style: chr19-41253679-A-G. GRCh37 (hg19) VCF-style: chr19-41759584-A-G.
Other names: c.1203A>G, p.Ile401Met (NM_001278599.2); c.1980A>G, p.Ile660Met (NM_001699.6); short protein forms I401M, I669M, I660M.
Identifiers: ClinVar variation 4744766 (VCV004744766.1).

ClinVar aggregate classification (germline): Uncertain significance (1 of 4 stars; one submission).

gnomAD v4.1: 1 of 1,612,956 alleles (0.000062%); highest among the groups gnomAD compares: Non-Finnish European, 0.000085%; no homozygotes.

Submission:

Labcorp Genetics (formerly Invitae), Labcorp
Classification: Uncertain significance. Last evaluated: 2025-10-27. Review status: criteria provided, single submitter. Criteria: Invitae Variant Classification Sherloc (09022015). Collection method: clinical testing. Allele origin: germline.
Comment: This sequence change replaces isoleucine, which is neutral and non-polar, with methionine, which is neutral and non-polar, at codon 669 of the AXL protein (p.Ile669Met). This variant is not present in population databases (gnomAD no frequency). This variant has not been reported in the literature in individuals affected with AXL-related conditions. Invitae Evidence Modeling of protein sequence and biophysical properties (such as structural, functional, and spatial information, amino acid conservation, physicochemical variation, residue mobility, and thermodynamic stability) indicates that this missense variant is expected to disrupt AXL protein function with a positive predictive value of 80%. In summary, the available evidence is currently insufficient to determine the role of this variant in disease. Therefore, it has been classified as a Variant of Uncertain Significance.